The following is an entry in ClinVar:

ClinVar aggregate classification (germline): Uncertain significance (1 of 4 stars; one submission).

gnomAD v4.1: 8 of 1,614,092 alleles (0.0005%); highest among the groups gnomAD compares: African/African-American, 0.008%; no homozygotes.

Submission:

Labcorp Genetics (formerly Invitae), Labcorp
Classification: Uncertain significance. Last evaluated: 2022-12-05. Review status: criteria provided, single submitter. Criteria: Invitae Variant Classification Sherloc (09022015). Collection method: clinical testing. Allele origin: germline.
Comment: This sequence change replaces tyrosine, which is neutral and polar, with cysteine, which is neutral and slightly polar, at codon 180 of the KLF10 protein (p.Tyr180Cys). In summary, the available evidence is currently insufficient to determine the role of this variant in disease. Therefore, it has been classified as a Variant of Uncertain Significance. Algorithms developed to predict the effect of missense changes on protein structure and function output the following: SIFT: "Deleterious"; PolyPhen-2: "Benign"; Align-GVGD: "Class C25". The cysteine amino acid residue is found in multiple mammalian species, which suggests that this missense change does not adversely affect protein function. This variant has not been reported in the literature in individuals affected with KLF10-related conditions. This variant is present in population databases (no rsID available, gnomAD 0.004%).

NM_005655.4(KLF10):c.539A>G (p.Tyr180Cys)

Gene: KLF10 (KLF transcription factor 10; minus strand). Cytogenetic location: 8q22.3.
Variant type: single nucleotide variant.
Coding change: c.539A>G on transcript NM_005655.4 (MANE Select); coding-DNA position 539, A replaced by G.
Protein change: p.Tyr180Cys; replaces tyrosine 180 with cysteine.
Molecular consequence: missense variant.
Genome position (GRCh38, 1-based): chr8:102,651,793, T>C on the plus strand (A>G on the coding strand, the complement: KLF10 is on the minus strand). VCF-style: chr8-102651793-T-C. GRCh37 (hg19) VCF-style: chr8-103664021-T-C.
Other names: c.506A>G, p.Tyr169Cys (NM_001032282.4); short protein forms Y180C, Y169C.
Identifiers: ClinVar variation 2912634 (VCV002912634.3), dbSNP rs745923868, ClinGen allele CA371628102.
Genomic context (GRCh38, chr8:102,651,793, plus strand): 5'-ATGTTCTTTCTTGCAGCCTCAACATTTAGGTGGGTTCTTCTTCTAAAAGAATTGTTCTGA[T>C]AGTTGAGGATGCTGGCTGCTTTCATTGGGCAGGTCTGGTGGTTACATAGCTGGGCATCAG-3'
Protein context (NP_005646.1, residues 170-190): CPMKAASILN[Tyr180Cys]QNNSFRRRTH